The following is an entry in ClinVar:

ClinVar aggregate classification (germline): Uncertain significance (1 of 4 stars; one submission).

Conditions:
Lowe syndrome (OCRL). Also called: LOWE OCULOCEREBRORENAL SYNDROME; PHOSPHATIDYLINOSITOL 4,5-BISPHOSPHATE 5-PHOSPHATASE DEFICIENCY; Oculocerebrorenal Syndrome. Identifiers: Orphanet 534, MedGen C0028860, MONDO:0010645, OMIM 309000.

Submission:

Labcorp Genetics (formerly Invitae), Labcorp
Classification: Uncertain significance for Lowe syndrome. Last evaluated: 2023-02-03. Review status: criteria provided, single submitter. Criteria: Invitae Variant Classification Sherloc (09022015). Collection method: clinical testing. Allele origin: germline.
Comment: In summary, the available evidence is currently insufficient to determine the role of this variant in disease. Therefore, it has been classified as a Variant of Uncertain Significance. Advanced modeling of protein sequence and biophysical properties (such as structural, functional, and spatial information, amino acid conservation, physicochemical variation, residue mobility, and thermodynamic stability) has been performed at Invitae for this missense variant, however the output from this modeling did not meet the statistical confidence thresholds required to predict the impact of this variant on OCRL protein function. This variant has not been reported in the literature in individuals affected with OCRL-related conditions. This variant is not present in population databases (gnomAD no frequency). This sequence change replaces aspartic acid, which is acidic and polar, with tyrosine, which is neutral and polar, at codon 817 of the OCRL protein (p.Asp817Tyr).

NM_000276.4(OCRL):c.2449G>T (p.Asp817Tyr)

Gene: OCRL (OCRL inositol polyphosphate-5-phosphatase; plus strand). Cytogenetic location: Xq26.1.
Variant type: single nucleotide variant.
Coding change: c.2449G>T on transcript NM_000276.4 (MANE Select); coding-DNA position 2449, G replaced by T.
Protein change: p.Asp817Tyr; replaces aspartic acid 817 with tyrosine.
Molecular consequence: missense variant.
Genome position (GRCh38, 1-based): chrX:129,588,993, G>T. VCF-style: chrX-129588993-G-T. GRCh37 (hg19) VCF-style: chrX-128722970-G-T.
Other names: c.2452G>T, p.Asp818Tyr (NM_001318784.2); c.2425G>T, p.Asp809Tyr (NM_001587.4); short protein forms D817Y, D818Y, D809Y.
Identifiers: ClinVar variation 2834191 (VCV002834191.3), dbSNP rs2521947499, ClinGen allele CA414631456.
Genomic context (GRCh38, chrX:129,588,993, plus strand): 5'-GCCCTGCCAGAGCCAGTCATCTGTTACGAGCTGTATCAGCGATGTCTTGACTCTGCTTAT[G>T]ATCCCCGGATCTGCCGACAGGTGGGTTCTACTGACCTGGGGATGTGTTTGACGCAGATTG-3'
Protein context (NP_000267.2, residues 807-827): LYQRCLDSAY[Asp817Tyr]PRICRQVISQ